The following is an entry in ClinVar:

NM_005121.3(MED13):c.1864A>T (p.Lys622Ter)

Gene: MED13 (mediator complex subunit 13; minus strand). Cytogenetic location: 17q23.2.
Variant type: single nucleotide variant.
Coding change: c.1864A>T on transcript NM_005121.3 (MANE Select); coding-DNA position 1864, A replaced by T.
Protein change: p.Lys622Ter; replaces lysine 622 with a stop codon.
Molecular consequence: nonsense.
Genome position (GRCh38, 1-based): chr17:62,010,653, T>A on the plus strand (A>T on the coding strand, the complement: MED13 is on the minus strand). VCF-style: chr17-62010653-T-A. GRCh37 (hg19) VCF-style: chr17-60088014-T-A.
Other names: short protein forms K622*.
Identifiers: ClinVar variation 620177 (VCV000620177.2), dbSNP rs1567975588, ClinGen allele CA400517816.

ClinVar aggregate classification (germline): Pathogenic (1 of 4 stars; one submission).

Submission:

GeneDx
Classification: Pathogenic. Last evaluated: 2019-10-30. Review status: criteria provided, single submitter. Criteria: GeneDx Variant Classification Process June 2021. Collection method: clinical testing. Allele origin: germline. Affected: yes.
Comment: Has not been previously published as pathogenic or benign to our knowledge; Nonsense variant predicted to result in protein truncation or nonsense mediated decay in a gene for which loss-of-function is a known mechanism of disease; Not observed in large population cohorts (Lek et al., 2016)